The following is an entry in ClinVar:

GRCh37/hg19 12p11.22(chr12:28094908-28175040)x1

Gene: PTHLH (parathyroid hormone like hormone; minus strand). Cytogenetic location: 12p11.22.
Variant type: copy number loss.
Change: copy number 1 (one copy instead of two) of chr12:28,094,908-28,175,040 (80.1 kb, GRCh37 coordinates, 1-based), cytogenetic band 12p11.22.
Identifiers: ClinVar variation 1807760 (VCV001807760.2).

ClinVar aggregate classification (germline): Pathogenic (1 of 4 stars; one submission).

Submission:

Quest Diagnostics Nichols Institute San Juan Capistrano
Classification: Pathogenic. Last evaluated: 2026-06-05. Review status: criteria provided, single submitter. Criteria: ACMG/ClinGen CNV Guidelines, 2019. Collection method: clinical testing. Allele origin: unknown.
Comment: This copy number loss involves PTHLH (OMIM 168470). Haploinsufficiency of PTHLH is associated with autosomal dominant brachydactyly type E2 (OMIM 613382, ISCA-17209). Thus, based on current medical literature this copy number variant (CNV) is classified as pathogenic.